The following is an entry in ClinVar:

NM_153717.3(EVC):c.2457del (p.Met820fs)

Gene: EVC (EvC ciliary complex subunit 1; plus strand). Cytogenetic location: 4p16.2.
Variant type: Deletion.
Coding change: c.2457del on transcript NM_153717.3 (MANE Select); coding-DNA position 2457, one base deleted (G; older notation c.2457delG).
Protein change: p.Met820fs; shifts the reading frame from methionine 820.
Molecular consequence: frameshift variant.
Genome position (GRCh38, 1-based): chr4:5,804,737, G deleted; the last of 2 consecutive G bases (chr4:5,804,736-5,804,737); deleting either gives the same sequence. VCF-style (leftmost placement, unchanged base first): chr4-5804735-AG-A. GRCh37 (hg19) VCF-style: chr4-5806462-AG-A.
Other names: c.2457del, p.Met820fs (NM_001306090.2); short protein forms M820fs.
Identifiers: ClinVar variation 5344 (VCV000005344.4), dbSNP rs794726666, ClinGen allele CA212829.

ClinVar aggregate classification (germline): Pathogenic. Review status: criteria provided, single submitter (1 of 4 stars). 2 submissions from 2 submitters: Pathogenic (1). 1 of the submissions does not count toward it. Last evaluated 2023-07-31.

Conditions:
Ellis-van Creveld syndrome (EVC). Also called: MESOECTODERMAL DYSPLASIA; EVC-Related Ellis-van Creveld Syndrome; EVC2-Related Ellis-van Creveld Syndrome; Chondroectodermal dysplasia. Identifiers: Orphanet 289, MedGen C0013903, MONDO:0009162, OMIM 225500.
Curry-Hall syndrome (WAD). Also called: WEYERS ACRODENTAL DYSOSTOSIS. Identifiers: Orphanet 952, MedGen C0457013, MONDO:0008673, OMIM 193530.

Submissions (2):

Labcorp Genetics (formerly Invitae), Labcorp
Classification: Pathogenic for Curry-Hall syndrome; Ellis-van Creveld syndrome. Last evaluated: 2023-07-31. Review status: criteria provided, single submitter. Criteria: Invitae Variant Classification Sherloc (09022015). Collection method: clinical testing. Allele origin: germline.
Comment: For these reasons, this variant has been classified as Pathogenic. ClinVar contains an entry for this variant (Variation ID: 5344). This variant is also known as 2456delG. This premature translational stop signal has been observed in individual(s) with Ellis-van Creveld syndrome (PMID: 10700184). This variant is not present in population databases (gnomAD no frequency). This sequence change creates a premature translational stop signal (p.Met820Trpfs*108) in the EVC gene. It is expected to result in an absent or disrupted protein product. Loss-of-function variants in EVC are known to be pathogenic (PMID: 23220543).

OMIM
Classification: Pathogenic for ELLIS-VAN CREVELD SYNDROME. Last evaluated: 2000-03-01. Review status: no assertion criteria provided. Collection method: literature only. Allele origin: germline. Not counted in ClinVar's aggregate classification.

Literature cited by the submitters: PubMed 10700184 (cited by Labcorp Genetics (formerly Invitae), Labcorp and OMIM); PubMed 23220543 (cited by Labcorp Genetics (formerly Invitae), Labcorp).